The following is an entry in ClinVar:

ClinVar aggregate classification (germline): Uncertain significance (1 of 4 stars; one submission).

Conditions:
Atrial fibrillation, familial, 7 (ATFB7). Identifiers: MedGen C2677106, MONDO:0012828, OMIM 612240.

Submission:

Labcorp Genetics (formerly Invitae), Labcorp
Classification: Uncertain significance for Atrial fibrillation, familial, 7. Last evaluated: 2020-03-14. Review status: criteria provided, single submitter. Criteria: Invitae Variant Classification Sherloc (09022015). Collection method: clinical testing. Allele origin: germline.
Comment: This sequence change results in a premature translational stop signal in the KCNA5 gene (p.Phe519Leufs*18). While this is not anticipated to result in nonsense mediated decay, it is expected to disrupt the last 95 amino acids of the KCNA5 protein. This variant is not present in population databases (ExAC no frequency). This variant has not been reported in the literature in individuals with KCNA5-related conditions. Experimental studies and prediction algorithms are not available or were not evaluated, and the functional significance of this variant is currently unknown. In summary, the available evidence is currently insufficient to determine the role of this variant in disease. Therefore, it has been classified as a Variant of Uncertain Significance.

NM_002234.4(KCNA5):c.1554dup (p.Phe519fs)

Gene: KCNA5 (potassium voltage-gated channel subfamily A member 5; plus strand). Cytogenetic location: 12p13.32.
Variant type: Duplication.
Coding change: c.1554dup on transcript NM_002234.4 (MANE Select); coding-DNA position 1554, one base duplicated (C; older notation c.1554dupC).
Protein change: p.Phe519fs; shifts the reading frame from phenylalanine 519.
Molecular consequence: frameshift variant.
Genome position (GRCh38, 1-based): chr12:5,045,701, C duplicated. VCF-style (leftmost placement, unchanged base first): chr12-5045700-A-AC. GRCh37 (hg19) VCF-style: chr12-5154866-A-AC.
Other names: short protein forms F519fs.
Identifiers: ClinVar variation 1063065 (VCV001063065.7), dbSNP rs2137773724, ClinGen allele CA2499221726.